The following is an entry in ClinVar:

ClinVar aggregate classification (germline): Uncertain significance (1 of 4 stars; one submission).

Allele frequency attached by ClinVar (database versions not stated): gnomAD exomes below 0.00001.

Submission:

GeneDx
Classification: Uncertain significance. Last evaluated: 2025-09-11. Review status: criteria provided, single submitter. Criteria: GeneDx Variant Classification Process June 2021. Collection method: clinical testing. Allele origin: germline. Affected: yes.
Comment: Not observed at significant frequency in large population cohorts (gnomAD); Initiation codon variant predicted to alter the protein; however, a downstream in-frame Methionine residue could serve as an alternate initiator codon; Has not been previously published as pathogenic or benign to our knowledge

NM_001366145.2(TRPM3):c.461T>C (p.Met154Thr)

Gene: TRPM3 (transient receptor potential cation channel subfamily M member 3; minus strand). Cytogenetic location: 9q21.12.
Variant type: single nucleotide variant.
Coding change: c.461T>C on transcript NM_001366145.2 (MANE Select); coding-DNA position 461, T replaced by C.
Protein change: p.Met154Thr; replaces methionine 154 with threonine.
Molecular consequence: missense variant. On other transcripts: initiator codon variant (9).
Genome position (GRCh38, 1-based): chr9:70,862,909, A>G on the plus strand (T>C on the coding strand, the complement: TRPM3 is on the minus strand). VCF-style: chr9-70862909-A-G. GRCh37 (hg19) VCF-style: chr9-73477825-A-G.
Other names: c.461T>C, p.Met154Thr (NM_001366146.2, NM_001366147.2, NM_001366148.2 and 6 more transcripts); c.2T>C, p.Met1Thr (NM_001366154.2, NM_020952.6, NM_024971.7 and 6 more transcripts); c.467T>C, p.Met156Thr (NM_001366141.2, NM_001366142.2, NM_001366143.2 and 1 more transcripts); short protein forms M154T, M156T, M1T.
Identifiers: ClinVar variation 1310933 (VCV001310933.4), dbSNP rs2132402925, ClinGen allele CA373559826.
Genomic context (GRCh38, chr9:70,862,909, plus strand): 5'-TTTGCAGGACTTGAGACTTGAGATAGCATTTGGGAGCAACTGAATGGCTTTCTGATTACC[A>G]TGGCTTTGTTGGAATGGCCACCTCCTTGGAACTCAATGGTCCCAAAAGCATCCGTAGGGC-3'
Protein context (NP_001353074.1, residues 144-164): FQGGGHSNKA[Met154Thr]YVRVSFDTKP